The following is an entry in ClinVar:

NM_000535.7(PMS2):c.2066C>G (p.Thr689Ser)

Gene: PMS2 (PMS1 homolog 2, mismatch repair system component; minus strand). Cytogenetic location: 7p22.1.
Variant type: single nucleotide variant.
Coding change: c.2066C>G on transcript NM_000535.7 (MANE Select); coding-DNA position 2066, C replaced by G.
Protein change: p.Thr689Ser; replaces threonine 689 with serine.
Molecular consequence: missense variant. On other transcripts: non-coding transcript variant (1).
Genome position (GRCh38, 1-based): chr7:5,982,932, G>C on the plus strand (C>G on the coding strand, the complement: PMS2 is on the minus strand). VCF-style: chr7-5982932-G-C. GRCh37 (hg19) VCF-style: chr7-6022563-G-C.
Other names: c.2066C>G, p.Thr689Ser (NM_001322014.2, NM_001406871.1); c.1757C>G, p.Thr586Ser (NM_001322015.2, NM_001406875.1, NM_001406877.1 and 5 more transcripts); c.2252C>G, p.Thr751Ser (NM_001406866.1); c.2090C>G, p.Thr697Ser (NM_001406868.1); c.1958C>G, p.Thr653Ser (NM_001406869.1); c.1910C>G, p.Thr637Ser (NM_001406870.1, NM_001322006.2); c.1868C>G, p.Thr623Ser (NM_001406873.1); c.1898C>G, p.Thr633Ser (NM_001406874.1); and 13 more; short protein forms T288S, T531S, T554S, T581S, T697S, T378S, T502S, T534S.
Identifiers: ClinVar variation 1785291 (VCV001785291.2), dbSNP rs1254554953, ClinGen allele CA366738071.

ClinVar aggregate classification (germline): Uncertain significance (1 of 4 stars; one submission).

Conditions:
Hereditary cancer-predisposing syndrome. Also called: Neoplastic Syndromes, Hereditary; Tumor predisposition; Hereditary Cancer Syndrome; Hereditary neoplastic syndrome. Identifiers: Orphanet 140162, MedGen C0027672, MeSH D009386, MONDO:0015356.

Submission:

Ambry Genetics
Classification: Uncertain significance for Hereditary cancer-predisposing syndrome. Last evaluated: 2022-10-20. Review status: criteria provided, single submitter. Criteria: Ambry Variant Classification Scheme 2023. Collection method: clinical testing. Allele origin: germline.
Comment: The p.T689S variant (also known as c.2066C>G), located in coding exon 12 of the PMS2 gene, results from a C to G substitution at nucleotide position 2066. The threonine at codon 689 is replaced by serine, an amino acid with similar properties. This amino acid position is conserved. In addition, the in silico prediction for this alteration is inconclusive. Since supporting evidence is limited at this time, the clinical significance of this alteration remains unclear.